The following is an entry in ClinVar:

ClinVar aggregate classification (germline): Uncertain significance (1 of 4 stars; one submission).

gnomAD v4.1: 1 of 1,614,238 alleles (0.000062%); highest among the groups gnomAD compares: Non-Finnish European, 0.000085%; no homozygotes.

Submission:

Labcorp Genetics (formerly Invitae), Labcorp
Classification: Uncertain significance. Last evaluated: 2024-03-11. Review status: criteria provided, single submitter. Criteria: Invitae Variant Classification Sherloc (09022015). Collection method: clinical testing. Allele origin: germline.
Comment: This sequence change replaces glycine, which is neutral and non-polar, with valine, which is neutral and non-polar, at codon 91 of the MGME1 protein (p.Gly91Val). This variant is not present in population databases (gnomAD no frequency). This variant has not been reported in the literature in individuals affected with MGME1-related conditions. ClinVar contains an entry for this variant (Variation ID: 2115262). Advanced modeling of protein sequence and biophysical properties (such as structural, functional, and spatial information, amino acid conservation, physicochemical variation, residue mobility, and thermodynamic stability) performed at Invitae indicates that this missense variant is not expected to disrupt MGME1 protein function with a negative predictive value of 80%. In summary, the available evidence is currently insufficient to determine the role of this variant in disease. Therefore, it has been classified as a Variant of Uncertain Significance.

NM_052865.4(MGME1):c.272G>T (p.Gly91Val)

Genes: MGME1 (mitochondrial genome maintenance exonuclease 1; plus strand), LOC126862983 (CDK7 strongly-dependent group 2 enhancer GRCh37_chr20:17950167-17951366; plus strand). Cytogenetic location: 20p11.23.
Variant type: single nucleotide variant.
Coding change: c.272G>T on transcript NM_052865.4 (MANE Select); coding-DNA position 272, G replaced by T.
Protein change: p.Gly91Val; replaces glycine 91 with valine.
Molecular consequence: missense variant. On other transcripts: splice donor variant (1).
Genome position (GRCh38, 1-based): chr20:17,970,131, G>T. VCF-style: chr20-17970131-G-T. GRCh37 (hg19) VCF-style: chr20-17950774-G-T.
Other names: c.272G>T, p.Gly91Val (NM_001310338.2, NM_001310339.2); c.271+1G>T (NM_001363738.2); short protein forms G91V.
Identifiers: ClinVar variation 2115262 (VCV002115262.4), dbSNP rs755862275, ClinGen allele CA408339100.